The following is an entry in ClinVar:

ClinVar aggregate classification (germline): Uncertain significance (1 of 4 stars; one submission).

Conditions:
Baller-Gerold syndrome (BGS). Also called: CRANIOSYNOSTOSIS WITH RADIAL DEFECTS. Identifiers: Orphanet 1225, MedGen C0265308, MONDO:0009039, OMIM 218600.

Submission:

Labcorp Genetics (formerly Invitae), Labcorp
Classification: Uncertain significance for Baller-Gerold syndrome. Last evaluated: 2025-10-14. Review status: criteria provided, single submitter. Criteria: Invitae Variant Classification Sherloc (09022015). Collection method: clinical testing. Allele origin: germline.
Comment: This variant, c.3139_3141del, results in the deletion of one amino acid of the RECQL4 protein (p.Glu1047del), but otherwise preserves the integrity of the reading frame. This variant is present in population databases (rs747349932, gnomAD 0.005%). This variant has not been reported in the literature in individuals affected with RECQL4-related conditions. ClinVar contains an entry for this variant (Variation ID: 459461). Experimental studies and prediction algorithms are not available or were not evaluated, and the functional significance of this variant is currently unknown. In summary, the available evidence is currently insufficient to determine the role of this variant in disease. Therefore, it has been classified as a Variant of Uncertain Significance.

NM_004260.4(RECQL4):c.3136GAG[1] (p.Glu1047del)

Gene: RECQL4 (RecQ like helicase 4; minus strand). Cytogenetic location: 8q24.3.
Variant type: Microsatellite.
Coding change: c.3136GAG[1] on transcript NM_004260.4 (MANE Select); one copy of the 3-base unit GAG starting at c.3136; the reference has two copies in a row; one copy, 3 bases deleted.
Protein change: p.Glu1047del; deletes glutamic acid 1047.
Molecular consequence: inframe deletion.
Genome position (GRCh38, 1-based): chr8:144,512,239-144,512,241, CTC deleted on the plus strand (GAG on the coding strand, the reverse complement: RECQL4 is on the minus strand); deleting any 3 consecutive bases within chr8:144,512,239-144,512,244 gives the same sequence; the position shown is the placement nearest the transcript's 3' end. VCF-style (leftmost placement, unchanged base first): chr8-144512238-TCTC-T. GRCh37 (hg19) VCF-style: chr8-145737621-TCTC-T.
Other names: c.3139_3141delGAG (NM_004260.3); short protein forms E1047del.
Identifiers: ClinVar variation 459461 (VCV000459461.8), dbSNP rs747349932, ClinGen allele CA4947916.
Genomic context (GRCh38, chr8:144,512,238, plus strand): 5'-CCAGGGCCTGGCGCTCCCGGGCCTGCACACGGCCATAGAGGAAGTCACATATCTGGTCCT[TCTC>T]CTCAGCGGTCAAGTCCCCCGGGCTGCGAAGGTGGAAGGCCAGCTCACTGAACTCCACAAG-3'